The following is an entry in ClinVar:

NM_015450.3(POT1):c.1088G>T (p.Arg363Leu)

Gene: POT1 (protection of telomeres 1; minus strand). Cytogenetic location: 7q31.33.
Variant type: single nucleotide variant.
Coding change: c.1088G>T on transcript NM_015450.3 (MANE Select); coding-DNA position 1088, G replaced by T.
Protein change: p.Arg363Leu; replaces arginine 363 with leucine.
Molecular consequence: missense variant. On other transcripts: non-coding transcript variant (3).
Genome position (GRCh38, 1-based): chr7:124,842,882, C>A on the plus strand (G>T on the coding strand, the complement: POT1 is on the minus strand). VCF-style: chr7-124842882-C-A. GRCh37 (hg19) VCF-style: chr7-124482936-C-A.
Other names: c.695G>T, p.Arg232Leu (NM_001042594.2); short protein forms R363L, R232L.
Identifiers: ClinVar variation 1788282 (VCV001788282.2), dbSNP rs141407528, ClinGen allele CA369068366.

ClinVar aggregate classification (germline): Uncertain significance (1 of 4 stars; one submission).

Conditions:
Hereditary cancer-predisposing syndrome. Also called: Neoplastic Syndromes, Hereditary; Tumor predisposition; Hereditary Cancer Syndrome; Hereditary neoplastic syndrome. Identifiers: Orphanet 140162, MedGen C0027672, MeSH D009386, MONDO:0015356.

Submission:

Ambry Genetics
Classification: Uncertain significance for Hereditary cancer-predisposing syndrome. Last evaluated: 2020-02-27. Review status: criteria provided, single submitter. Criteria: Ambry Variant Classification Scheme 2023. Collection method: clinical testing. Allele origin: germline.
Comment: The p.R363L variant (also known as c.1088G>T), located in coding exon 9 of the POT1 gene, results from a G to T substitution at nucleotide position 1088. The arginine at codon 363 is replaced by leucine, an amino acid with dissimilar properties. This amino acid position is highly conserved in available vertebrate species. In addition, this alteration is predicted to be tolerated by in silico analysis. Since supporting evidence is limited at this time, the clinical significance of this alteration remains unclear.